The following is an entry in ClinVar:

NM_000135.4(FANCA):c.161A>C (p.His54Pro)

Gene: FANCA (FA complementation group A; minus strand). Cytogenetic location: 16q24.3.
Variant type: single nucleotide variant.
Coding change: c.161A>C on transcript NM_000135.4 (MANE Select); coding-DNA position 161, A replaced by C.
Protein change: p.His54Pro; replaces histidine 54 with proline.
Molecular consequence: missense variant.
Genome position (GRCh38, 1-based): chr16:89,815,905, T>G on the plus strand (A>C on the coding strand, the complement: FANCA is on the minus strand). VCF-style: chr16-89815905-T-G. GRCh37 (hg19) VCF-style: chr16-89882313-T-G.
Other names: c.161A>C, p.His54Pro (NM_001018112.3, NM_001286167.3, NM_001351830.2); short protein forms H54P.
Identifiers: ClinVar variation 4619315 (VCV004619315.1).

ClinVar aggregate classification (germline): Uncertain significance (1 of 4 stars; one submission).

Conditions:
Inborn genetic diseases. Identifiers: MedGen C0950123, MeSH D030342.

Submission:

Ambry Genetics
Classification: Uncertain significance for Inborn genetic diseases. Last evaluated: 2025-12-10. Review status: criteria provided, single submitter. Criteria: Ambry Variant Classification Scheme 2023. Collection method: clinical testing. Allele origin: germline.
Comment: The p.H54P variant (also known as c.161A>C), located in coding exon 2 of the FANCA gene, results from an A to C substitution at nucleotide position 161. The histidine at codon 54 is replaced by proline, an amino acid with similar properties. This amino acid position is conserved. In addition, this alteration is predicted to be tolerated by in silico analysis. Based on the available evidence, the clinical significance of this variant remains unclear.